The following is an entry in ClinVar:

ClinVar aggregate classification (germline): Uncertain significance. Review status: criteria provided, multiple submitters, no conflicts (2 of 4 stars). 2 submissions from 2 submitters: Uncertain significance (2). Last evaluated 2024-03-13.

Conditions:
Hyperaldosteronism, familial, type IV (HALD4). Also called: FH IV; ALDOSTERONISM, PRIMARY, AND HYPERTENSION. Identifiers: Orphanet 642671, MedGen C4310756, MONDO:0014875, OMIM 617027.
Epilepsy, childhood absence, susceptibility to, 6. Identifiers: Orphanet 64280, MedGen C2749872, MONDO:0012763, OMIM 611942.
Idiopathic generalized epilepsy. Also called: Generalised epilepsy; EIG. Identifiers: MedGen C0270850, MONDO:0005579, OMIM 600669.

Allele frequency attached by ClinVar (database versions not stated): gnomAD exomes 0.00001; ExAC 0.00002; gnomAD 0.00003; TOPMed 0.00003.
gnomAD v4.1: 18 of 1,610,900 alleles (0.0011%); highest among the groups gnomAD compares: Middle Eastern, 0.018%; no homozygotes.

Submissions (2):

Fulgent Genetics
Classification: Uncertain significance for Epilepsy, childhood absence, susceptibility to, 6; Hyperaldosteronism, familial, type IV. Last evaluated: 2024-03-13. Review status: criteria provided, single submitter. Criteria: ACMG Guidelines, 2015. Collection method: clinical testing. Allele origin: germline.

Labcorp Genetics (formerly Invitae), Labcorp
Classification: Uncertain significance for Idiopathic generalized epilepsy; Hyperaldosteronism, familial, type IV. Last evaluated: 2022-06-28. Review status: criteria provided, single submitter. Criteria: Invitae Variant Classification Sherloc (09022015). Collection method: clinical testing. Allele origin: germline.
Comment: This sequence change replaces glutamic acid, which is acidic and polar, with lysine, which is basic and polar, at codon 1575 of the CACNA1H protein (p.Glu1575Lys). This variant is present in population databases (rs750349354, gnomAD 0.01%). In summary, the available evidence is currently insufficient to determine the role of this variant in disease. Therefore, it has been classified as a Variant of Uncertain Significance. Advanced modeling of protein sequence and biophysical properties (such as structural, functional, and spatial information, amino acid conservation, physicochemical variation, residue mobility, and thermodynamic stability) performed at Invitae indicates that this missense variant is not expected to disrupt CACNA1H protein function. This variant has not been reported in the literature in individuals affected with CACNA1H-related conditions.

NM_021098.3(CACNA1H):c.4723G>A (p.Glu1575Lys)

Gene: CACNA1H (calcium voltage-gated channel subunit alpha1 H; plus strand). Cytogenetic location: 16p13.3.
Variant type: single nucleotide variant.
Coding change: c.4723G>A on transcript NM_021098.3 (MANE Select); coding-DNA position 4723, G replaced by A.
Protein change: p.Glu1575Lys; replaces glutamic acid 1575 with lysine.
Molecular consequence: missense variant.
Genome position (GRCh38, 1-based): chr16:1,212,102, G>A. VCF-style: chr16-1212102-G-A. GRCh37 (hg19) VCF-style: chr16-1262102-G-A.
Other names: c.4723G>A, p.Glu1575Lys (NM_001005407.2); short protein forms E1575K.
Identifiers: ClinVar variation 2166659 (VCV002166659.5), dbSNP rs750349354, ClinGen allele CA7801502.